The following is an entry in ClinVar:

ClinVar aggregate classification (germline): Uncertain significance (1 of 4 stars; one submission).

Submission:

GeneDx
Classification: Uncertain significance. Last evaluated: 2023-10-06. Review status: criteria provided, single submitter. Criteria: GeneDx Variant Classification Process June 2021. Collection method: clinical testing. Allele origin: germline. Affected: yes.
Comment: Not observed at significant frequency in large population cohorts (gnomAD); In silico analysis supports that this missense variant has a deleterious effect on protein structure/function; Has not been previously published as pathogenic or benign to our knowledge

NM_003590.5(CUL3):c.780T>G (p.Ile260Met)

Gene: CUL3 (cullin 3; minus strand). Cytogenetic location: 2q36.2.
Variant type: single nucleotide variant.
Coding change: c.780T>G on transcript NM_003590.5 (MANE Select); coding-DNA position 780, T replaced by G.
Protein change: p.Ile260Met; replaces isoleucine 260 with methionine.
Molecular consequence: missense variant.
Genome position (GRCh38, 1-based): chr2:224,511,457, A>C on the plus strand (T>G on the coding strand, the complement: CUL3 is on the minus strand). VCF-style: chr2-224511457-A-C. GRCh37 (hg19) VCF-style: chr2-225376174-A-C.
Other names: c.582T>G, p.Ile194Met (NM_001257197.2); c.798T>G, p.Ile266Met (NM_001257198.2); short protein forms I194M, I260M, I266M.
Identifiers: ClinVar variation 3253000 (VCV003253000.1), dbSNP rs2469995554.